The following is an entry in ClinVar:

ClinVar aggregate classification (germline): Uncertain significance (1 of 4 stars; one submission).

Submission:

GeneDx
Classification: Uncertain significance. Last evaluated: 2021-01-13. Review status: criteria provided, single submitter. Criteria: GeneDx Variant Classification Process June 2021. Collection method: clinical testing. Allele origin: germline. Affected: yes.
Comment: Not observed in large population cohorts (Lek et al., 2016); In silico analysis supports that this missense variant has a deleterious effect on protein structure/function; Has not been previously published as pathogenic or benign to our knowledge

NM_000292.3(PHKA2):c.2389G>A (p.Gly797Arg)

Gene: PHKA2 (phosphorylase kinase regulatory subunit alpha 2; minus strand). Cytogenetic location: Xp22.13.
Variant type: single nucleotide variant.
Coding change: c.2389G>A on transcript NM_000292.3 (MANE Select); coding-DNA position 2389, G replaced by A.
Protein change: p.Gly797Arg; replaces glycine 797 with arginine.
Molecular consequence: missense variant.
Genome position (GRCh38, 1-based): chrX:18,908,028, C>T on the plus strand (G>A on the coding strand, the complement: PHKA2 is on the minus strand). VCF-style: chrX-18908028-C-T. GRCh37 (hg19) VCF-style: chrX-18926146-C-T.
Other names: short protein forms G797R.
Identifiers: ClinVar variation 1313915 (VCV001313915.2), dbSNP rs2147859762, ClinGen allele CA412383786.